The following is an entry in ClinVar:

NM_000321.3(RB1):c.1022A>G (p.Lys341Arg)

Gene: RB1 (RB transcriptional corepressor 1; plus strand). Cytogenetic location: 13q14.2.
Variant type: single nucleotide variant.
Coding change: c.1022A>G on transcript NM_000321.3 (MANE Select); coding-DNA position 1022, A replaced by G.
Protein change: p.Lys341Arg; replaces lysine 341 with arginine.
Molecular consequence: missense variant.
Genome position (GRCh38, 1-based): chr13:48,367,576, A>G. VCF-style: chr13-48367576-A-G. GRCh37 (hg19) VCF-style: chr13-48941712-A-G.
Other names: short protein forms K341R.
Identifiers: ClinVar variation 1014135 (VCV001014135.12), dbSNP rs1393042716, ClinGen allele CA388160857.
Genomic context (GRCh38, chr13:48,367,576, plus strand): 5'-ACGAAGAAATTTATCTTAAAAATAAAGATCTAGATGCAAGATTATTTTTGGATCATGATA[A>G]AACTCTTCAGACTGATTCTATAGACAGGTATTGCACATGGTATATTTGATTGATTTGCTT-3'
Protein context (NP_000312.2, residues 331-351): LDARLFLDHD[Lys341Arg]TLQTDSIDSF

ClinVar aggregate classification (germline): Uncertain significance. Review status: criteria provided, multiple submitters, no conflicts (2 of 4 stars). 2 submissions from 2 submitters: Uncertain significance (2). Last evaluated 2025-01-28.

Conditions:
Hereditary cancer-predisposing syndrome. Also called: Hereditary Cancer Syndrome; Tumor predisposition; Neoplastic Syndromes, Hereditary; Hereditary neoplastic syndrome. Identifiers: Orphanet 140162, MedGen C0027672, MeSH D009386, MONDO:0015356.
Retinoblastoma (RB1). Also called: RETINOBLASTOMA, SOMATIC. Identifiers: Orphanet 790, MedGen C0035335, MeSH D012175, MONDO:0008380, OMIM 180200, HP:0009919. Disease mechanism: loss of function. Inheritance: Both sporadic and heritable forms are tested..

Submissions (2):

Ambry Genetics
Classification: Uncertain significance for Hereditary cancer-predisposing syndrome. Last evaluated: 2025-01-28. Review status: criteria provided, single submitter. Criteria: Ambry Variant Classification Scheme 2023. Collection method: clinical testing. Allele origin: germline.
Comment: The p.K341R variant (also known as c.1022A>G), located in coding exon 10 of the RB1 gene, results from an A to G substitution at nucleotide position 1022. The lysine at codon 341 is replaced by arginine, an amino acid with highly similar properties. This amino acid position is not well conserved in available vertebrate species. In addition, this alteration is predicted to be tolerated by in silico analysis. Based on the available evidence, the clinical significance of this variant remains unclear.

Labcorp Genetics (formerly Invitae), Labcorp
Classification: Uncertain significance for Retinoblastoma. Last evaluated: 2024-06-03. Review status: criteria provided, single submitter. Criteria: Invitae Variant Classification Sherloc (09022015). Collection method: clinical testing. Allele origin: germline.
Comment: This sequence change replaces lysine, which is basic and polar, with arginine, which is basic and polar, at codon 341 of the RB1 protein (p.Lys341Arg). This variant is not present in population databases (gnomAD no frequency). This variant has not been reported in the literature in individuals affected with RB1-related conditions. ClinVar contains an entry for this variant (Variation ID: 1014135). Advanced modeling of protein sequence and biophysical properties (such as structural, functional, and spatial information, amino acid conservation, physicochemical variation, residue mobility, and thermodynamic stability) performed at Invitae indicates that this missense variant is not expected to disrupt RB1 protein function with a negative predictive value of 80%. In summary, the available evidence is currently insufficient to determine the role of this variant in disease. Therefore, it has been classified as a Variant of Uncertain Significance.